The following is an entry in ClinVar:

NM_001370298.3(FGD4):c.2047-292C>T

Gene: FGD4 (FYVE, RhoGEF and PH domain containing 4; plus strand). Cytogenetic location: 12p11.21.
Variant type: single nucleotide variant.
Coding change: c.2047-292C>T on transcript NM_001370298.3 (MANE Select); 292 bases into the intron before coding-DNA position 2047, C replaced by T.
Molecular consequence: intron variant.
Genome position (GRCh38, 1-based): chr12:32,625,362, C>T. VCF-style: chr12-32625362-C-T. GRCh37 (hg19) VCF-style: chr12-32778296-C-T.
Other names: c.2047-292C>T (NM_001384126.1); c.1891-292C>T (NM_001304481.2); c.1357-292C>T (NM_001330374.2, NM_001330373.2, NM_001384130.1); c.1636-292C>T (NM_139241.3, NM_001384127.1, NM_001385118.1 and 1 more transcripts); c.604-292C>T (NM_001304484.2); c.1084-292C>T (NM_001370297.1); c.892-292C>T (NM_001304483.2).
Identifiers: ClinVar variation 668737 (VCV000668737.1), dbSNP rs11052111, ClinGen allele CA16441062.
Genomic context (GRCh38, chr12:32,625,362, plus strand): 5'-CTCTGTCACCCAAGCTGGAGTGCAGTGACACAGTCTTGGCTCACTGCAAACTCCGCCTCC[C>T]GGGTTCAAGCGATTTTCCTGCCTTAGCCTCCCGAGTAGCTGGGATTATACGTGCATGCCA-3'

ClinVar aggregate classification (germline): Benign (1 of 4 stars; one submission).

Allele frequency attached by ClinVar (database versions not stated): 1000 Genomes Project 0.14018; 1000 Genomes Project 30x 0.14725; gnomAD 0.15001 and 0.15235; TOPMed 0.16370.
gnomAD v4.1: 22,542 of 150,602 alleles (15%); highest among the groups gnomAD compares: Middle Eastern, 26%; 1,960 homozygotes.

Submission:

GeneDx
Classification: Benign. Last evaluated: 2018-06-19. Review status: criteria provided, single submitter. Criteria: GeneDx Variant Classification (06012015). Collection method: clinical testing. Allele origin: germline. Affected: yes.
Comment: This variant is considered likely benign or benign based on one or more of the following criteria: it is a conservative change, it occurs at a poorly conserved position in the protein, it is predicted to be benign by multiple in silico algorithms, and/or has population frequency not consistent with disease.